The following is an entry in ClinVar:

NM_001848.3(COL6A1):c.1253A>G (p.Asp418Gly)

Gene: COL6A1 (collagen type VI alpha 1 chain; plus strand). Cytogenetic location: 21q22.3.
Variant type: single nucleotide variant.
Coding change: c.1253A>G on transcript NM_001848.3 (MANE Select); coding-DNA position 1253, A replaced by G.
Protein change: p.Asp418Gly; replaces aspartic acid 418 with glycine.
Molecular consequence: missense variant.
Genome position (GRCh38, 1-based): chr21:45,992,379, A>G. VCF-style: chr21-45992379-A-G. GRCh37 (hg19) VCF-style: chr21-47412293-A-G.
Other names: short protein forms D418G.
Identifiers: ClinVar variation 4680941 (VCV004680941.1).

ClinVar aggregate classification (germline): Uncertain significance (1 of 4 stars; one submission).

gnomAD v4.1: 5 of 1,613,482 alleles (0.00031%); highest among the groups gnomAD compares: Non-Finnish European, 0.00042%; no homozygotes.

Submission:

GeneDx
Classification: Uncertain significance. Last evaluated: 2025-06-30. Review status: criteria provided, single submitter. Criteria: GeneDx Variant Classification Process June 2021. Collection method: clinical testing. Allele origin: germline. Affected: yes.
Comment: Not observed at significant frequency in large population cohorts (gnomAD); In silico analysis supports that this missense variant has a deleterious effect on protein structure/function; Has not been previously published as pathogenic or benign to our knowledge